The following is an entry in ClinVar:

NM_145200.5(CABP4):c.233A>T (p.Glu78Val)

Gene: CABP4 (calcium binding protein 4; plus strand). Cytogenetic location: 11q13.2.
Variant type: single nucleotide variant.
Coding change: c.233A>T on transcript NM_145200.5 (MANE Select); coding-DNA position 233, A replaced by T.
Protein change: p.Glu78Val; replaces glutamic acid 78 with valine.
Molecular consequence: missense variant. On other transcripts: 5 prime UTR variant (2), non-coding transcript variant (1), intron variant (1).
Genome position (GRCh38, 1-based): chr11:67,455,656, A>T. VCF-style: chr11-67455656-A-T. GRCh37 (hg19) VCF-style: chr11-67223127-A-T.
Other names: c.-151A>T (NM_001300895.3); c.-165A>T (NM_001379183.1); c.-112-53A>T (NM_001300896.3); short protein forms E78V.
Identifiers: ClinVar variation 1005202 (VCV001005202.6), dbSNP rs1344232929, ClinGen allele CA381527351.

ClinVar aggregate classification (germline): Uncertain significance (1 of 4 stars; one submission).

Allele frequency attached by ClinVar (database versions not stated): gnomAD exomes below 0.00001; TOPMed 0.00001.

Submission:

Labcorp Genetics (formerly Invitae), Labcorp
Classification: Uncertain significance. Last evaluated: 2021-08-26. Review status: criteria provided, single submitter. Criteria: Invitae Variant Classification Sherloc (09022015). Collection method: clinical testing. Allele origin: germline.
Comment: This sequence change replaces glutamic acid with valine at codon 78 of the CABP4 protein (p.Glu78Val). The glutamic acid residue is weakly conserved and there is a moderate physicochemical difference between glutamic acid and valine. This variant is not present in population databases (ExAC no frequency). This variant has not been reported in the literature in individuals affected with CABP4-related conditions. Algorithms developed to predict the effect of missense changes on protein structure and function output the following: SIFT: "Tolerated"; PolyPhen-2: "Benign"; Align-GVGD: "Class C0". The valine amino acid residue is found in multiple mammalian species, which suggests that this missense change does not adversely affect protein function. In summary, the available evidence is currently insufficient to determine the role of this variant in disease. Therefore, it has been classified as a Variant of Uncertain Significance.